The following is an entry in ClinVar:

NM_024408.4(NOTCH2):c.3971A>C (p.Asn1324Thr)

Gene: NOTCH2 (notch receptor 2; minus strand). Cytogenetic location: 1p12.
Variant type: single nucleotide variant.
Coding change: c.3971A>C on transcript NM_024408.4 (MANE Select); coding-DNA position 3971, A replaced by C.
Protein change: p.Asn1324Thr; replaces asparagine 1324 with threonine.
Molecular consequence: missense variant.
Genome position (GRCh38, 1-based): chr1:119,926,533, T>G on the plus strand (A>C on the coding strand, the complement: NOTCH2 is on the minus strand). VCF-style: chr1-119926533-T-G. GRCh37 (hg19) VCF-style: chr1-120469156-T-G.
Other names: short protein forms N1324T.
Identifiers: ClinVar variation 2139255 (VCV002139255.4), dbSNP rs1397343979, ClinGen allele CA341891856.
Genomic context (GRCh38, chr1:119,926,533, plus strand): 5'-TCTTAGATGAGCAACAGGGCACTTACCGGGGGACAACGGCAAATGAAACCATCAGGCATG[T>G]TACTGGCCACAGCACAAGTCCCTCCATTCAGGCAGGGCATCTGGGGACACACATCGACGA-3'
Protein context (NP_077719.2, residues 1314-1334): LNGGTCAVAS[Asn1324Thr]MPDGFICRCP

ClinVar aggregate classification (germline): Uncertain significance (1 of 4 stars; one submission).

Conditions:
Hajdu-Cheney syndrome (HJCYS). Also called: ACROOSTEOLYSIS WITH OSTEOPOROSIS AND CHANGES IN SKULL AND MANDIBLE; Acroosteolysis dominant type; SERPENTINE FIBULA-POLYCYSTIC KIDNEY SYNDROME. Identifiers: Orphanet 955, MedGen C0917715, MONDO:0007057, OMIM 102500.

Allele frequency attached by ClinVar (database versions not stated): gnomAD exomes below 0.00001.
gnomAD v4.1: 2 of 1,606,900 alleles (0.00012%); highest among the groups gnomAD compares: Admixed American, 0.0034%; no homozygotes.

Submission:

Labcorp Genetics (formerly Invitae), Labcorp
Classification: Uncertain significance for Hajdu-Cheney syndrome. Last evaluated: 2024-10-07. Review status: criteria provided, single submitter. Criteria: Invitae Variant Classification Sherloc (09022015). Collection method: clinical testing. Allele origin: germline.
Comment: This sequence change replaces asparagine, which is neutral and polar, with threonine, which is neutral and polar, at codon 1324 of the NOTCH2 protein (p.Asn1324Thr). This variant is present in population databases (no rsID available, gnomAD 0.006%). This variant has not been reported in the literature in individuals affected with NOTCH2-related conditions. ClinVar contains an entry for this variant (Variation ID: 2139255). Invitae Evidence Modeling of protein sequence and biophysical properties (such as structural, functional, and spatial information, amino acid conservation, physicochemical variation, residue mobility, and thermodynamic stability) indicates that this missense variant is not expected to disrupt NOTCH2 protein function with a negative predictive value of 80%. In summary, the available evidence is currently insufficient to determine the role of this variant in disease. Therefore, it has been classified as a Variant of Uncertain Significance.